The following is an entry in ClinVar:

NM_001365276.2(TNXB):c.5761C>T (p.Gln1921Ter)

Gene: TNXB (tenascin XB; minus strand). Cytogenetic location: 6p21.33.
Variant type: single nucleotide variant.
Coding change: c.5761C>T on transcript NM_001365276.2 (MANE Select); coding-DNA position 5761, C replaced by T.
Protein change: p.Gln1921Ter; replaces glutamine 1921 with a stop codon.
Molecular consequence: nonsense.
Genome position (GRCh38, 1-based): chr6:32,068,963, G>A on the plus strand (C>T on the coding strand, the complement: TNXB is on the minus strand). VCF-style: chr6-32068963-G-A. GRCh37 (hg19) VCF-style: chr6-32036740-G-A.
Other names: c.6502C>T, p.Gln2168Ter (NM_001428335.1); c.5761C>T, p.Gln1921Ter (NM_019105.8); short protein forms Q1921*, Q2168*.
Identifiers: ClinVar variation 5013676 (VCV005013676.1).

ClinVar aggregate classification (germline): Pathogenic (1 of 4 stars; one submission).

Conditions:
Ehlers-Danlos syndrome due to tenascin-X deficiency (EDSCLL1). Also called: Ehlers-Danlos syndrome, classic-like, 1; EHLERS-DANLOS SYNDROME, CLASSIC-LIKE; TNXB-Related Classical-Like Ehlers-Danlos Syndrome; EDS DUE TO TNX DEFICIENCY; TNX DEFICIENCY. Identifiers: Orphanet 230839, MedGen C1848029, MONDO:0011670, OMIM 606408.

Submission:

Myriad Genetics, Inc.
Classification: Pathogenic for Ehlers-Danlos syndrome due to tenascin-X deficiency. Last evaluated: 2024-10-24. Review status: criteria provided, single submitter. Criteria: Myriad Autosomal Dominant, Autosomal Recessive and X-Linked Classification Criteria (2023). Collection method: clinical testing. Allele origin: unknown.
Comment: NM_019105.6(TNXB):c.5761C>T(Q1921*) is expected to be pathogenic in the context of classical-like Ehlers-Danlos syndrome, TNXB-related. This variant is predicted to lead to an abnormal or absent protein product due to the creation of a premature termination codon in TNXB, a gene where loss-of-function variants are known to be pathogenic. Please note: this variant was assessed in the context of healthy population screening.